The following is an entry in ClinVar:

NM_031483.7(ITCH):c.1013A>G (p.His338Arg)

Gene: ITCH (itchy E3 ubiquitin protein ligase; plus strand). Cytogenetic location: 20q11.22.
Variant type: single nucleotide variant.
Coding change: c.1013A>G on transcript NM_031483.7 (MANE Select); coding-DNA position 1013, A replaced by G.
Protein change: p.His338Arg; replaces histidine 338 with arginine.
Molecular consequence: missense variant.
Genome position (GRCh38, 1-based): chr20:34,445,334, A>G. VCF-style: chr20-34445334-A-G. GRCh37 (hg19) VCF-style: chr20-33033139-A-G.
Other names: c.1136A>G, p.His379Arg (NM_001257137.3, NM_001324197.2); c.683A>G, p.His228Arg (NM_001257138.3); c.1013A>G, p.His338Arg (NM_001324198.2); short protein forms H338R, H379R, H228R.
Identifiers: ClinVar variation 1962454 (VCV001962454.5), dbSNP rs1984323555, ClinGen allele CA408663976.

ClinVar aggregate classification (germline): Uncertain significance (1 of 4 stars; one submission).

Conditions:
Syndromic multisystem autoimmune disease due to ITCH deficiency. Also called: AUTOIMMUNE DISEASE, MULTISYSTEM, WITH FACIAL DYSMORPHISM. Identifiers: Orphanet 228426, MedGen C3150649, MONDO:0013245, OMIM 613385.

Allele frequency attached by ClinVar (database versions not stated): gnomAD exomes below 0.00001; TOPMed below 0.00001; gnomAD 0.00001.
gnomAD v4.1: 5 of 1,610,274 alleles (0.00031%); highest among the groups gnomAD compares: Non-Finnish European, 0.00042%; no homozygotes.

Submission:

Labcorp Genetics (formerly Invitae), Labcorp
Classification: Uncertain significance for Syndromic multisystem autoimmune disease due to ITCH deficiency. Last evaluated: 2022-10-19. Review status: criteria provided, single submitter. Criteria: Invitae Variant Classification Sherloc (09022015). Collection method: clinical testing. Allele origin: germline.
Comment: This variant is not present in population databases (gnomAD no frequency). This sequence change replaces histidine, which is basic and polar, with arginine, which is basic and polar, at codon 338 of the ITCH protein (p.His338Arg). This variant has not been reported in the literature in individuals affected with ITCH-related conditions. In summary, the available evidence is currently insufficient to determine the role of this variant in disease. Therefore, it has been classified as a Variant of Uncertain Significance. Algorithms developed to predict the effect of missense changes on protein structure and function are either unavailable or do not agree on the potential impact of this missense change (SIFT: "Not Available"; PolyPhen-2: "Benign"; Align-GVGD: "Not Available").